The following is an entry in ClinVar:

NM_002768.5(CHMP1A):c.*69G>A

Gene: CHMP1A (charged multivesicular body protein 1A; minus strand). Cytogenetic location: 16q24.3.
Variant type: single nucleotide variant.
Coding change: c.*69G>A on transcript NM_002768.5 (MANE Select); 69 bases downstream of the stop codon, G replaced by A.
Molecular consequence: 3 prime UTR variant. On other transcripts: missense variant (1), non-coding transcript variant (1).
Genome position (GRCh38, 1-based): chr16:89,645,997, C>T on the plus strand (G>A on the coding strand, the complement: CHMP1A is on the minus strand). VCF-style: chr16-89645997-C-T. GRCh37 (hg19) VCF-style: chr16-89712405-C-T.
Other names: c.640G>A, p.Ala214Thr (NM_001083314.4); short protein forms A214T.
Identifiers: ClinVar variation 4829687 (VCV004829687.1).

ClinVar aggregate classification (germline): Uncertain significance (1 of 4 stars; one submission).

Conditions:
Inborn genetic diseases. Identifiers: MedGen C0950123, MeSH D030342.

Submission:

Ambry Genetics
Classification: Uncertain significance for Inborn genetic diseases. Last evaluated: 2026-01-21. Review status: criteria provided, single submitter. Criteria: Ambry Variant Classification Scheme 2023. Collection method: clinical testing. Allele origin: germline.
Comment: The c.640G>A (p.A214T) alteration is located in exon 6 (coding exon 6) of the CHMP1A gene. This alteration results from a G to A substitution at nucleotide position 640, causing the alanine (A) at amino acid position 214 to be replaced by a threonine (T). Based on data from gnomAD, the A allele has an overall frequency of 0.001% (2/245386) total alleles studied. The highest observed frequency was 0.007% (1/15180) of African alleles. Based on insufficient or conflicting evidence, the clinical significance of this alteration remains unclear.